The following is an entry in ClinVar:

NM_000751.3(CHRND):c.107A>G (p.Lys36Arg)

Gene: CHRND (cholinergic receptor nicotinic delta subunit; plus strand). Cytogenetic location: 2q37.1.
Variant type: single nucleotide variant.
Coding change: c.107A>G on transcript NM_000751.3 (MANE Select); coding-DNA position 107, A replaced by G.
Protein change: p.Lys36Arg; replaces lysine 36 with arginine.
Molecular consequence: missense variant. On other transcripts: 5 prime UTR variant (2).
Genome position (GRCh38, 1-based): chr2:232,526,583, A>G. VCF-style: chr2-232526583-A-G. GRCh37 (hg19) VCF-style: chr2-233391293-A-G.
Other names: c.107A>G, p.Lys36Arg (NM_001256657.2); c.-165A>G (NM_001311195.2, NM_001311196.2); short protein forms K36R.
Identifiers: ClinVar variation 2786237 (VCV002786237.3), dbSNP rs2469713548, ClinGen allele CA350995884.
Genomic context (GRCh38, chr2:232,526,583, plus strand): 5'-CCCCAGGCAGCTGGGGGCTGAACGAGGAGGAGCGGCTGATCCGGCACCTGTTTCAAGAGA[A>G]GGGCTACAACAAGGAGCTCCGGCCCGTGGCACACAAAGAGGAGAGTGTGGACGTTGCCCT-3'
Protein context (NP_000742.1, residues 26-46): ERLIRHLFQE[Lys36Arg]GYNKELRPVA

ClinVar aggregate classification (germline): Uncertain significance (1 of 4 stars; one submission).

Conditions:
Lethal multiple pterygium syndrome (LMPS). Identifiers: Orphanet 33108, MedGen C1854678, MONDO:0009668, OMIM 253290.

Submission:

Labcorp Genetics (formerly Invitae), Labcorp
Classification: Uncertain significance for Lethal multiple pterygium syndrome. Last evaluated: 2023-06-06. Review status: criteria provided, single submitter. Criteria: Invitae Variant Classification Sherloc (09022015). Collection method: clinical testing. Allele origin: germline.
Comment: In summary, the available evidence is currently insufficient to determine the role of this variant in disease. Therefore, it has been classified as a Variant of Uncertain Significance. Advanced modeling of protein sequence and biophysical properties (such as structural, functional, and spatial information, amino acid conservation, physicochemical variation, residue mobility, and thermodynamic stability) performed at Invitae indicates that this missense variant is not expected to disrupt CHRND protein function. This variant has not been reported in the literature in individuals affected with CHRND-related conditions. This variant is not present in population databases (gnomAD no frequency). This sequence change replaces lysine, which is basic and polar, with arginine, which is basic and polar, at codon 36 of the CHRND protein (p.Lys36Arg).